The following is an entry in ClinVar:

NM_024642.5(GALNT12):c.838G>T (p.Asp280Tyr)

Gene: GALNT12 (polypeptide N-acetylgalactosaminyltransferase 12; plus strand). Cytogenetic location: 9q22.33.
Variant type: single nucleotide variant.
Coding change: c.838G>T on transcript NM_024642.5 (MANE Select); coding-DNA position 838, G replaced by T.
Protein change: p.Asp280Tyr; replaces aspartic acid 280 with tyrosine.
Molecular consequence: missense variant.
Genome position (GRCh38, 1-based): chr9:98,831,878, G>T. VCF-style: chr9-98831878-G-T. GRCh37 (hg19) VCF-style: chr9-101594160-G-T.
Other names: short protein forms D280Y.
Identifiers: ClinVar variation 822372 (VCV000822372.17), dbSNP rs748104709, ClinGen allele CA5154074.

ClinVar aggregate classification (germline): Uncertain significance. Review status: criteria provided, multiple submitters, no conflicts (2 of 4 stars). 3 submissions from 3 submitters: Uncertain significance (3). Last evaluated 2025-12-08.

Conditions:
GALNT12-related disorder. Also called: GALNT12-related condition.

Allele frequency attached by ClinVar (database versions not stated): TOPMed 0.00001.

Submissions (3):

Labcorp Genetics (formerly Invitae), Labcorp
Classification: Uncertain significance. Last evaluated: 2025-12-08. Review status: criteria provided, single submitter. Criteria: Invitae Variant Classification Sherloc (09022015). Collection method: clinical testing. Allele origin: germline.
Comment: This sequence change replaces aspartic acid, which is acidic and polar, with tyrosine, which is neutral and polar, at codon 280 of the GALNT12 protein (p.Asp280Tyr). This variant is present in population databases (rs748104709, gnomAD 0.03%). This variant has not been reported in the literature in individuals affected with GALNT12-related conditions. ClinVar contains an entry for this variant (Variation ID: 822372). Invitae Evidence Modeling of protein sequence and biophysical properties (such as structural, functional, and spatial information, amino acid conservation, physicochemical variation, residue mobility, and thermodynamic stability) indicates that this missense variant is expected to disrupt GALNT12 protein function with a positive predictive value of 80%. In summary, the available evidence is currently insufficient to determine the role of this variant in disease. Therefore, it has been classified as a Variant of Uncertain Significance.

Ambry Genetics
Classification: Uncertain significance. Last evaluated: 2025-04-24. Review status: criteria provided, single submitter. Criteria: Ambry Variant Classification Scheme 2023. Collection method: clinical testing. Allele origin: germline.

PreventionGenetics, part of Exact Sciences
Classification: Uncertain significance for GALNT12-related condition. Last evaluated: 2025-04-12. Review status: criteria provided, single submitter. Criteria: ACMG Guidelines, 2015. Collection method: clinical testing. Allele origin: germline.
Comment: The GALNT12 c.838G>T variant is predicted to result in the amino acid substitution p.Asp280Tyr. To our knowledge, this variant has not been reported in the literature. This variant is reported in 0.030% of alleles in individuals of East Asian descent in gnomAD and is classified as having uncertain clinical significance in ClinVar. At this time, the clinical significance of this variant is uncertain due to the absence of conclusive functional and genetic evidence.